The following is an entry in ClinVar:

NM_015338.6(ASXL1):c.1114C>G (p.Gln372Glu)

Gene: ASXL1 (ASXL transcriptional regulator 1; plus strand). Cytogenetic location: 20q11.21.
Variant type: single nucleotide variant.
Coding change: c.1114C>G on transcript NM_015338.6 (MANE Select); coding-DNA position 1114, C replaced by G.
Protein change: p.Gln372Glu; replaces glutamine 372 with glutamic acid.
Molecular consequence: missense variant.
Genome position (GRCh38, 1-based): chr20:32,433,312, C>G. VCF-style: chr20-32433312-C-G. GRCh37 (hg19) VCF-style: chr20-31021115-C-G.
Other names: c.931C>G, p.Gln311Glu (NM_001363734.1); short protein forms Q311E, Q372E.
Identifiers: ClinVar variation 1939193 (VCV001939193.5), dbSNP rs199846284, ClinGen allele CA408555848.
Genomic context (GRCh38, chr20:32,433,312, plus strand): 5'-CTGAAACTGATGGCTGTGATTTTGATTTGCAGGCTGGGTTTGACCAAAGAAGAGTCATTG[C>G]AGCAGAACGTGGGCCAGGAGGAGGCTGAAATCAAAAGTGGCTTGTGTGTCCCAGGAGAAT-3'
Protein context (NP_056153.2, residues 362-382): KLGLTKEESL[Gln372Glu]QNVGQEEAEI

ClinVar aggregate classification (germline): Uncertain significance (1 of 4 stars; one submission).

gnomAD v4.1: 3 of 1,614,122 alleles (0.00019%); highest among the groups gnomAD compares: Admixed American, 0.005%; no homozygotes.

Submission:

Labcorp Genetics (formerly Invitae), Labcorp
Classification: Uncertain significance. Last evaluated: 2022-10-17. Review status: criteria provided, single submitter. Criteria: Invitae Variant Classification Sherloc (09022015). Collection method: clinical testing. Allele origin: germline.
Comment: This sequence change replaces glutamine, which is neutral and polar, with glutamic acid, which is acidic and polar, at codon 372 of the ASXL1 protein (p.Gln372Glu). This variant is present in population databases (no rsID available, gnomAD 0.009%). In summary, the available evidence is currently insufficient to determine the role of this variant in disease. Therefore, it has been classified as a Variant of Uncertain Significance. Algorithms developed to predict the effect of missense changes on protein structure and function (SIFT, PolyPhen-2, Align-GVGD) all suggest that this variant is likely to be tolerated. This variant has not been reported in the literature in individuals affected with ASXL1-related conditions.